The following is an entry in ClinVar:

NM_006767.4(LZTR1):c.818T>C (p.Leu273Pro)

Gene: LZTR1 (leucine zipper like post translational regulator 1; plus strand). Cytogenetic location: 22q11.21.
Variant type: single nucleotide variant.
Coding change: c.818T>C on transcript NM_006767.4 (MANE Select); coding-DNA position 818, T replaced by C.
Protein change: p.Leu273Pro; replaces leucine 273 with proline.
Molecular consequence: missense variant.
Genome position (GRCh38, 1-based): chr22:20,991,654, T>C. VCF-style: chr22-20991654-T-C. GRCh37 (hg19) VCF-style: chr22-21345943-T-C.
Other names: short protein forms L273P.
Identifiers: ClinVar variation 3719209 (VCV003719209.2).
Genomic context (GRCh38, chr22:20,991,654, plus strand): 5'-GTCCCAGCATTGATTCACTGTTGTGTACCCCCAGGTGGACACGCATCCCAACTGAACACC[T>C]GCTCCGGGGCTCCCCACCACCCCCGCAGCGGCGCTACGGGCATACCATGGTGGCCTTTGA-3'
Protein context (NP_006758.2, residues 263-283): KTWTRIPTEH[Leu273Pro]LRGSPPPPQR

ClinVar aggregate classification (germline): Uncertain significance (1 of 4 stars; one submission).

gnomAD v4.1: 1 of 1,601,128 alleles (0.000062%); highest among the groups gnomAD compares: Non-Finnish European, 0.000085%; no homozygotes.

Submission:

Labcorp Genetics (formerly Invitae), Labcorp
Classification: Uncertain significance. Last evaluated: 2024-04-20. Review status: criteria provided, single submitter. Criteria: Invitae Variant Classification Sherloc (09022015). Collection method: clinical testing. Allele origin: germline.
Comment: This sequence change replaces leucine, which is neutral and non-polar, with proline, which is neutral and non-polar, at codon 273 of the LZTR1 protein (p.Leu273Pro). The frequency data for this variant in the population databases is considered unreliable, as metrics indicate poor data quality at this position in the gnomAD database. This variant has not been reported in the literature in individuals affected with LZTR1-related conditions. Advanced modeling of protein sequence and biophysical properties (such as structural, functional, and spatial information, amino acid conservation, physicochemical variation, residue mobility, and thermodynamic stability) performed at Invitae indicates that this missense variant is not expected to disrupt LZTR1 protein function with a negative predictive value of 80%. In summary, the available evidence is currently insufficient to determine the role of this variant in disease. Therefore, it has been classified as a Variant of Uncertain Significance.